The following is an entry in ClinVar:

NC_000023.10:g.(?_76763809)_(77041507_?)del

Gene: ATRX (ATRX chromatin remodeler; minus strand). Cytogenetic location: Xq21.1.
Variant type: Deletion.
Identifiers: ClinVar variation 1452479 (VCV001452479.1).

ClinVar aggregate classification (germline): Pathogenic (1 of 4 stars; one submission).

Conditions:
Alpha thalassemia-X-linked intellectual disability syndrome (ATRX). Also called: X-linked alpha-thalassemia-mental retardation syndrome; ALPHA-THALASSEMIA/IMPAIRED INTELLECTUAL DEVELOPMENT SYNDROME, X-LINKED; ALPHA-THALASSEMIA/MENTAL RETARDATION SYNDROME, X-LINKED; ATR, NONDELETION TYPE; ATR-X syndrome; Alpha thalassemia mental retardation syndrome, nondeletion type, X-linked. Identifiers: Orphanet 847, MedGen C1845055, MONDO:0010519, OMIM 301040.

Submission:

Labcorp Genetics (formerly Invitae), Labcorp
Classification: Pathogenic for Alpha thalassemia-X-linked intellectual disability syndrome. Last evaluated: 2021-08-24. Review status: criteria provided, single submitter. Criteria: Invitae Variant Classification Sherloc (09022015). Collection method: clinical testing. Allele origin: germline.
Comment: A gross deletion of the genomic region encompassing the full coding sequence of the ATRX gene has been identified. Loss-of-function variants in ATRX are known to be pathogenic (PMID: 15591283, 18409179, 23681356). The boundaries of this event are unknown as they extend beyond the assayed region for this gene and therefore may encompass additional genes. This variant has not been reported in the literature in individuals affected with ATRX-related conditions. For these reasons, this variant has been classified as Pathogenic.

Literature cited by the submitters: PubMed 15591283; PubMed 18409179; PubMed 23681356.